The following is an entry in ClinVar:

ClinVar aggregate classification (germline): Likely pathogenic (1 of 4 stars; one submission).

Conditions:
Autosomal recessive limb-girdle muscular dystrophy type 2J (LGMDR10). Also called: Limb-girdle muscular dystrophy, type 2J; MUSCULAR DYSTROPHY, LIMB-GIRDLE, AUTOSOMAL RECESSIVE 10. Identifiers: Orphanet 140922, MedGen C1837342, MONDO:0012127, OMIM 608807.
Dilated cardiomyopathy 1G (CMD1G). Identifiers: Orphanet 154, MedGen C1858763, MONDO:0011400, OMIM 604145.

Submission:

Labcorp Genetics (formerly Invitae), Labcorp
Classification: Likely pathogenic for Dilated cardiomyopathy 1G; Autosomal recessive limb-girdle muscular dystrophy type 2J. Last evaluated: 2024-10-18. Review status: criteria provided, single submitter. Criteria: Invitae Variant Classification Sherloc (09022015). Collection method: clinical testing. Allele origin: germline.
Comment: This sequence change creates a premature translational stop signal (p.Gln10031Profs*3) in the TTN gene. While this is not anticipated to result in nonsense mediated decay, it is expected to create a truncated TTN protein. This variant is not present in population databases (gnomAD no frequency). This variant has not been reported in the literature in individuals affected with TTN-related conditions. ClinVar contains an entry for this variant (Variation ID: 466993). This variant is located in the I band of TTN (PMID: 25589632). Truncating variants in this region have been reported in individuals affected with autosomal recessive centronuclear myopathy (PMID: 23975875, internal data). Truncating variants in this region have also been identified in individuals affected with autosomal dominant dilated cardiomyopathy and/or cardio-related conditions (PMID: 27869827, 32964742, internal data). In summary, the currently available evidence indicates that the variant is pathogenic, but additional data are needed to prove that conclusively. Therefore, this variant has been classified as Likely Pathogenic.

Literature cited by the submitters: PubMed 25589632; PubMed 23975875; PubMed 27869827; PubMed 32964742.

NM_001267550.2(TTN):c.30091dup (p.Gln10031fs)

Gene: TTN (titin; minus strand). Cytogenetic location: 2q31.2.
Variant type: Duplication.
Coding change: c.30091dup on transcript NM_001267550.2 (MANE Select); coding-DNA position 30091, one base duplicated (C; older notation c.30091dupC).
Protein change: p.Gln10031fs; shifts the reading frame from glutamine 10031.
Molecular consequence: frameshift variant. On other transcripts: intron variant (3).
Genome position (GRCh38, 1-based): chr2:178,704,279, G duplicated on the plus strand (C on the coding strand, the reverse complement: TTN is on the minus strand); the first of 4 consecutive G bases (chr2:178,704,279-178,704,282); duplicating any one gives the same sequence. VCF-style (leftmost placement, unchanged base first): chr2-178704278-T-TG. GRCh37 (hg19) VCF-style: chr2-179569005-T-TG.
Other names: c.30091dupC (NM_001267550.2); c.29140dup, p.Gln9714fs (NM_001256850.1); c.26359dup, p.Gln8787fs (NM_133378.4); c.13282+33800dup (NM_003319.4); c.13858+33800dup (NM_133437.4); c.13657+33800dup (NM_133432.3); short protein forms Q8787fs, Q10031fs, Q9714fs.
Identifiers: ClinVar variation 466993 (VCV000466993.9), dbSNP rs1553877628, ClinGen allele CA658657172.
Genomic context (GRCh38, chr2:178,704,278, plus strand): 5'-CGAACATCTGCAATGGTCAATTTATGGACTTTGTGTTCCACTTCTGTTTTATGTCTACCT[T>TG]GGGGTTTAAGGATTCTGCCATTTCTGAACCATTCAGATTTTACATTTGGTACAGAAAATT-3'